The following is an entry in ClinVar:

NM_001163435.3(TBCK):c.658G>A (p.Asp220Asn)

Gene: TBCK (TBC1 domain containing kinase; minus strand). Cytogenetic location: 4q24.
Variant type: single nucleotide variant.
Coding change: c.658G>A on transcript NM_001163435.3 (MANE Select); coding-DNA position 658, G replaced by A.
Protein change: p.Asp220Asn; replaces aspartic acid 220 with asparagine.
Molecular consequence: missense variant.
Genome position (GRCh38, 1-based): chr4:106,250,418, C>T on the plus strand (G>A on the coding strand, the complement: TBCK is on the minus strand). VCF-style: chr4-106250418-C-T. GRCh37 (hg19) VCF-style: chr4-107171575-C-T.
Other names: c.658G>A, p.Asp220Asn (NM_001163436.4); c.541G>A, p.Asp181Asn (NM_001163437.3); c.142G>A, p.Asp48Asn (NM_001290768.2); c.469G>A, p.Asp157Asn (NM_033115.5); short protein forms D157N, D181N, D220N, D48N.
Identifiers: ClinVar variation 1559583 (VCV001559583.12), dbSNP rs200690220, ClinGen allele CA3035366.
Genomic context (GRCh38, chr4:106,250,418, plus strand): 5'-ATGATTACTAATAGTAAGTTATATTTATATTTGAAAGATAAGCAATTGTACGACACTTAC[C>T]CAAAGTAAGCAAAAATTTTAGTCTTTCAGAAATATCCAAGCTCTGAAATAATTTTCTTCC-3'
Protein context (NP_001156907.2, residues 210-230): SERLKFLLTL[Asp220Asn]CVDDTLIVLA

ClinVar aggregate classification (germline): Benign/Likely benign. Review status: criteria provided, multiple submitters, no conflicts (2 of 4 stars). 2 submissions from 2 submitters: Benign (1); Likely benign (1). Last evaluated 2026-03-01.

Allele frequency attached by ClinVar (database versions not stated): TOPMed 0.00020; ESP Exome Variant Server 0.00031; gnomAD 0.00052 and 0.00054; gnomAD exomes 0.00060; ExAC 0.00067.
gnomAD v4.1: 601 of 1,557,740 alleles (0.039%); highest among the groups gnomAD compares: Middle Eastern, 0.051%; 3 homozygotes.

Submissions (2):

CeGaT Center for Human Genetics Tuebingen
Classification: Likely benign. Last evaluated: 2026-03-01. Review status: criteria provided, single submitter. Criteria: CeGaT Center For Human Genetics Tuebingen Variant Classification Criteria Version 2. Collection method: clinical testing. Allele origin: germline. Affected: yes. Observed: 1 variant allele.
Comment: TBCK: BP4, BS2

Labcorp Genetics (formerly Invitae), Labcorp
Classification: Benign. Last evaluated: 2026-01-28. Review status: criteria provided, single submitter. Criteria: Invitae Variant Classification Sherloc (09022015). Collection method: clinical testing. Allele origin: germline.